The following is an entry in ClinVar:

NM_197968.4(ZMYM2):c.1654A>G (p.Ile552Val)

Gene: ZMYM2 (zinc finger MYM-type containing 2; plus strand). Cytogenetic location: 13q12.11.
Variant type: single nucleotide variant.
Coding change: c.1654A>G on transcript NM_197968.4 (MANE Select); coding-DNA position 1654, A replaced by G.
Protein change: p.Ile552Val; replaces isoleucine 552 with valine.
Molecular consequence: missense variant. On other transcripts: non-coding transcript variant (1).
Genome position (GRCh38, 1-based): chr13:20,026,681, A>G. VCF-style: chr13-20026681-A-G. GRCh37 (hg19) VCF-style: chr13-20600821-A-G.
Other names: c.1654A>G, p.Ile552Val (NM_001353165.2, NM_003453.6, NM_001190964.4 and 5 more transcripts); c.1459A>G, p.Ile487Val (NM_001353161.3); c.1393A>G, p.Ile465Val (NM_001353163.2); short protein forms I465V, I487V, I552V.
Identifiers: ClinVar variation 1302270 (VCV001302270.2), dbSNP rs771209269, ClinGen allele CA387672346.

ClinVar aggregate classification (germline): Uncertain significance (1 of 4 stars; one submission).

Allele frequency attached by ClinVar (database versions not stated): gnomAD exomes below 0.00001.
gnomAD v4.1: 1 of 1,611,072 alleles (0.000062%); highest among the groups gnomAD compares: South Asian, 0.0011%; no homozygotes.

Submission:

GeneDx
Classification: Uncertain significance. Last evaluated: 2019-04-15. Review status: criteria provided, single submitter. Criteria: GeneDx Variant Classification Process June 2021. Collection method: clinical testing. Allele origin: germline. Affected: yes.
Comment: Not observed in large population cohorts (Lek et al., 2016); In silico analysis, which includes protein predictors and evolutionary conservation, supports that this variant does not alter protein structure/function; Has not been previously published as pathogenic or benign to our knowledge; Variants in candidate genes are classified as variants of uncertain significance in accordance with ACMG guidelines (Richards et al., 2015)